The following is an entry in ClinVar:

NM_000051.4(ATM):c.1462T>C (p.Trp488Arg)

Gene: ATM (ATM serine/threonine kinase; plus strand). Cytogenetic location: 11q22.3.
Variant type: single nucleotide variant.
Coding change: c.1462T>C on transcript NM_000051.4 (MANE Select); coding-DNA position 1462, T replaced by C.
Protein change: p.Trp488Arg; replaces tryptophan 488 with arginine.
Molecular consequence: missense variant.
Genome position (GRCh38, 1-based): chr11:108,250,927, T>C. VCF-style: chr11-108250927-T-C. GRCh37 (hg19) VCF-style: chr11-108121654-T-C.
Other names: c.1462T>C, p.Trp488Arg (NM_001351834.2); short protein forms W488R.
Identifiers: ClinVar variation 1357234 (VCV001357234.8), dbSNP rs2135323595, ClinGen allele CA382534147.

ClinVar aggregate classification (germline): Uncertain significance (1 of 4 stars; one submission).

Conditions:
Ataxia-telangiectasia syndrome (AT). Also called: ATAXIA-TELANGIECTASIA, COMPLEMENTATION GROUP A; ATAXIA-TELANGIECTASIA, FRESNO VARIANT; Ataxia-telangiectasia; Ataxia-telangiectasia, complementation group D; Ataxia-telangiectasia, complementation group E; Ataxia telangiectasia (A-T). Identifiers: Orphanet 100, MedGen C0004135, MONDO:0008840, OMIM 208900.

Submission:

Labcorp Genetics (formerly Invitae), Labcorp
Classification: Uncertain significance for Ataxia-telangiectasia syndrome. Last evaluated: 2020-12-18. Review status: criteria provided, single submitter. Criteria: Invitae Variant Classification Sherloc (09022015). Collection method: clinical testing. Allele origin: germline.
Comment: In summary, the available evidence is currently insufficient to determine the role of this variant in disease. Therefore, it has been classified as a Variant of Uncertain Significance. Advanced modeling of protein sequence and biophysical properties (such as structural, functional, and spatial information, amino acid conservation, physicochemical variation, residue mobility, and thermodynamic stability) performed at Invitae indicates that this missense variant is not expected to disrupt ATM protein function. This variant has not been reported in the literature in individuals with ATM-related conditions. This variant is not present in population databases (ExAC no frequency). This sequence change replaces tryptophan with arginine at codon 488 of the ATM protein (p.Trp488Arg). The tryptophan residue is highly conserved and there is a moderate physicochemical difference between tryptophan and arginine.